The following is an entry in ClinVar:

ClinVar aggregate classification (germline): Benign/Likely benign. Review status: criteria provided, multiple submitters, no conflicts (2 of 4 stars). 3 submissions from 3 submitters: Benign (2); Likely benign (1). Last evaluated 2024-07-18.

Conditions:
Auriculocondylar syndrome 2 (ARCND2A). Also called: AURICULOCONDYLAR SYNDROME 2A. Identifiers: Orphanet 137888, MedGen C3553404, MONDO:0013845, OMIM 614669.

Allele frequency attached by ClinVar (database versions not stated): gnomAD exomes 0.00010 and 0.00027; ExAC 0.00036; gnomAD 0.00107 and 0.00115; 1000 Genomes Project 30x 0.00109; 1000 Genomes Project 0.00120; TOPMed 0.00129; ESP Exome Variant Server 0.00146.
gnomAD v4.1: 303 of 1,613,498 alleles (0.019%); highest among the groups gnomAD compares: African/African-American, 0.38%; 2 homozygotes.

Submissions (3):

Blueprint Genetics
Classification: Likely benign. Last evaluated: 2024-07-18. Review status: criteria provided, single submitter. Criteria: ACMG Guidelines, 2015. Collection method: clinical testing. Allele origin: germline.

Labcorp Genetics (formerly Invitae), Labcorp
Classification: Benign. Last evaluated: 2022-07-11. Review status: criteria provided, single submitter. Criteria: Invitae Variant Classification Sherloc (09022015). Collection method: clinical testing. Allele origin: germline.

Illumina Laboratory Services, Illumina
Classification: Benign for Auriculocondylar syndrome 2. Last evaluated: 2018-01-12. Review status: criteria provided, single submitter. Criteria: ICSL Variant Classification Criteria 13 December 2019. Collection method: clinical testing. Allele origin: germline.
Comment: This variant was observed in the ICSL laboratory as part of a predisposition screen in an ostensibly healthy population. It had not been previously curated by ICSL or reported in the Human Gene Mutation Database (HGMD: prior to June 1st, 2018), and was therefore a candidate for classification through an automated scoring system. Utilizing variant allele frequency, disease prevalence and penetrance estimates, and inheritance mode, an automated score was calculated to assess if this variant is too frequent to cause the disease. Based on the score and internal cut-off values, a variant classified as benign is not then subjected to further curation. The score for this variant resulted in a classification of benign for this disease.

NM_001377142.1(PLCB4):c.1428T>C (p.Ala476=)

Gene: PLCB4 (phospholipase C beta 4; plus strand). Cytogenetic location: 20p12.2.
Variant type: single nucleotide variant.
Coding change: c.1428T>C on transcript NM_001377142.1 (MANE Select); coding-DNA position 1428, T replaced by C.
Protein change: p.Ala476=; no amino-acid change (alanine 476 retained).
Molecular consequence: synonymous variant.
Genome position (GRCh38, 1-based): chr20:9,395,536, T>C. VCF-style: chr20-9395536-T-C. GRCh37 (hg19) VCF-style: chr20-9376183-T-C.
Other names: c.1428T>C, p.Ala476= (NM_000933.4, NM_001172646.2, NM_001377134.2 and 4 more transcripts).
Identifiers: ClinVar variation 339562 (VCV000339562.10), dbSNP rs140773788, ClinGen allele CA9761106.
Genomic context (GRCh38, chr20:9,395,536, plus strand): 5'-TGTTACCTAGCATCTGTCACCATCTCTTTGCGTGTTTTTGCTAACAGAACAGCTGGAAGC[T>C]TTGAGAAGCATGATGGAAGCTGGAGAATCTGCCTCCCCAGCAAACATCTTAGAGGACGAT-3'
Protein context (NP_001364071.1, residues 466-486): KPEVEKKQLE[Ala476=]LRSMMEAGES